The following is an entry in ClinVar:

ClinVar aggregate classification (germline): Likely benign (0 of 4 stars; one submission).

Conditions:
HOXA4-related disorder. Also called: HOXA4-related condition.

Submission:

PreventionGenetics, part of Exact Sciences
Classification: Likely benign for HOXA4-related condition. Last evaluated: 2020-12-08. Review status: no assertion criteria provided. Collection method: clinical testing. Allele origin: germline.
Comment: This variant is classified as likely benign based on ACMG/AMP sequence variant interpretation guidelines (Richards et al. 2015 PMID: 25741868, with internal and published modifications).

NM_002141.5(HOXA4):c.285C>T (p.Ala95=)

Genes: HOXA3 (homeobox A3; minus strand), HOXA4 (homeobox A4; minus strand). Cytogenetic location: 7p15.2.
Variant type: single nucleotide variant.
Coding change: c.285C>T on transcript NM_002141.5 (MANE Select); coding-DNA position 285, C replaced by T.
Protein change: p.Ala95=; no amino-acid change (alanine 95 retained).
Molecular consequence: synonymous variant. On other transcripts: intron variant (7).
Genome position (GRCh38, 1-based): chr7:27,130,449, G>A on the plus strand (C>T on the coding strand, the complement: HOXA4 is on the minus strand). VCF-style: chr7-27130449-G-A. GRCh37 (hg19) VCF-style: chr7-27170068-G-A.
Other names: c.-389-3379C>T (NM_153631.3, NM_001384340.1); c.-505-3379C>T (NM_001384335.1, NM_001384339.1); c.-204-7807C>T (NM_001384336.1, NM_001384338.1); c.-677-3379C>T (NM_001384337.1).
Identifiers: ClinVar variation 3032651 (VCV003032651.2), dbSNP rs1785489139, ClinGen allele CA454509903.